The following is an entry in ClinVar:

NM_003611.3(OFD1):c.26C>T (p.Thr9Ile)

Genes: OFD1 (OFD1 centriole and centriolar satellite protein; plus strand), LOC126863212 (CDK7 strongly-dependent group 2 enhancer GRCh37_chrX:13752241-13753440; plus strand). Cytogenetic location: Xp22.2.
Variant type: single nucleotide variant.
Coding change: c.26C>T on transcript NM_003611.3 (MANE Select); coding-DNA position 26, C replaced by T.
Protein change: p.Thr9Ile; replaces threonine 9 with isoleucine.
Molecular consequence: missense variant. On other transcripts: 5 prime UTR variant (1).
Genome position (GRCh38, 1-based): chrX:13,735,261, C>T. VCF-style: chrX-13735261-C-T. GRCh37 (hg19) VCF-style: chrX-13753380-C-T.
Other names: c.26C>T, p.Thr9Ile (NM_001330209.2); c.-520C>T (NM_001330210.2); short protein forms T9I.
Identifiers: ClinVar variation 463455 (VCV000463455.12), dbSNP rs1555900190, ClinGen allele CA412331286.

ClinVar aggregate classification (germline): Uncertain significance. Review status: criteria provided, multiple submitters, no conflicts (2 of 4 stars). 2 submissions from 2 submitters: Uncertain significance (2). Last evaluated 2024-05-18.

Conditions:
Joubert syndrome 10 (JBTS10). Identifiers: Orphanet 2754, MedGen C2749019, MONDO:0010431, OMIM 300804.
Orofaciodigital syndrome I (OFD1). Also called: OFDS I; Papillon-Leage and Psaume Syndrome; Oral-Facial-Digital Syndrome Type I. Identifiers: Orphanet 2750, MedGen C1510460, MONDO:0010702, OMIM 311200.
Retinitis pigmentosa 23 (RP23). Identifiers: Orphanet 791, MedGen C1419610, MONDO:0010320, OMIM 300424.
Simpson-Golabi-Behmel syndrome type 2. Identifiers: Orphanet 79022, MedGen C1846175, MONDO:0010265, OMIM 300209.
Joubert syndrome. Also called: CEREBELLOPARENCHYMAL DISORDER IV; JOUBERT-BOLTSHAUSER SYNDROME; Familial aplasia of the vermis. Identifiers: Orphanet 475, MedGen C5979921, MONDO:0018772.

Allele frequency attached by ClinVar (database versions not stated): TOPMed below 0.00001.

Submissions (2):

Fulgent Genetics
Classification: Uncertain significance for Simpson-Golabi-Behmel syndrome type 2; Retinitis pigmentosa 23; Joubert syndrome 10; Orofaciodigital syndrome I. Last evaluated: 2024-05-18. Review status: criteria provided, single submitter. Criteria: ACMG Guidelines, 2015. Collection method: clinical testing. Allele origin: germline.

Labcorp Genetics (formerly Invitae), Labcorp
Classification: Uncertain significance for Orofaciodigital syndrome I; Joubert syndrome. Last evaluated: 2022-04-06. Review status: criteria provided, single submitter. Criteria: Invitae Variant Classification Sherloc (09022015). Collection method: clinical testing. Allele origin: germline.
Comment: This variant is not present in population databases (gnomAD no frequency). This sequence change replaces threonine, which is neutral and polar, with isoleucine, which is neutral and non-polar, at codon 9 of the OFD1 protein (p.Thr9Ile). This variant has not been reported in the literature in individuals affected with OFD1-related conditions. In summary, the available evidence is currently insufficient to determine the role of this variant in disease. Therefore, it has been classified as a Variant of Uncertain Significance. Algorithms developed to predict the effect of missense changes on protein structure and function (SIFT, PolyPhen-2, Align-GVGD) all suggest that this variant is likely to be tolerated. ClinVar contains an entry for this variant (Variation ID: 463455).